The following is an entry in ClinVar:

ClinVar aggregate classification (germline): Uncertain significance (1 of 4 stars; one submission).

Allele frequency attached by ClinVar (database versions not stated): gnomAD 0.00001; gnomAD exomes 0.00001; TOPMed 0.00001.
gnomAD v4.1: 17 of 1,614,026 alleles (0.0011%); highest among the groups gnomAD compares: Non-Finnish European, 0.0014%; no homozygotes.

Submission:

Labcorp Genetics (formerly Invitae), Labcorp
Classification: Uncertain significance. Last evaluated: 2022-05-24. Review status: criteria provided, single submitter. Criteria: Invitae Variant Classification Sherloc (09022015). Collection method: clinical testing. Allele origin: germline.
Comment: This sequence change replaces aspartic acid, which is acidic and polar, with asparagine, which is neutral and polar, at codon 214 of the COX15 protein (p.Asp214Asn). This variant is present in population databases (no rsID available, gnomAD 0.0009%). This variant has not been reported in the literature in individuals affected with COX15-related conditions. Algorithms developed to predict the effect of missense changes on protein structure and function are either unavailable or do not agree on the potential impact of this missense change (SIFT: "Not Available"; PolyPhen-2: "Possibly Damaging"; Align-GVGD: "Not Available"). In summary, the available evidence is currently insufficient to determine the role of this variant in disease. Therefore, it has been classified as a Variant of Uncertain Significance.

NM_078470.6(COX15):c.640G>A (p.Asp214Asn)

Gene: COX15 (cytochrome c oxidase assembly homolog COX15; minus strand). Cytogenetic location: 10q24.2.
Variant type: single nucleotide variant.
Coding change: c.640G>A on transcript NM_078470.6 (MANE Select); coding-DNA position 640, G replaced by A.
Protein change: p.Asp214Asn; replaces aspartic acid 214 with asparagine.
Molecular consequence: missense variant. On other transcripts: non-coding transcript variant (1).
Genome position (GRCh38, 1-based): chr10:99,724,066, C>T on the plus strand (G>A on the coding strand, the complement: COX15 is on the minus strand). VCF-style: chr10-99724066-C-T. GRCh37 (hg19) VCF-style: chr10-101483823-C-T.
Other names: c.640G>A, p.Asp214Asn (NM_001320974.2, NM_001320975.2, NM_001372024.1 and 5 more transcripts); c.103G>A, p.Asp35Asn (NM_001320976.2); short protein forms D214N, D35N.
Identifiers: ClinVar variation 1926988 (VCV001926988.2), dbSNP rs1222613594, ClinGen allele CA378103729.